The following is an entry in ClinVar:

ClinVar aggregate classification (germline): Uncertain significance. Review status: criteria provided, multiple submitters, no conflicts (2 of 4 stars). 4 submissions from 4 submitters: Uncertain significance (4). Last evaluated 2025-02-28.

Conditions:
Cardiovascular phenotype. Identifiers: MedGen CN230736.
Arrhythmogenic right ventricular dysplasia 11. Also called: Arrhythmogenic Right Ventricular Dysplasia/Cardiomyopathy11; ARRHYTHMOGENIC RIGHT VENTRICULAR DYSPLASIA, FAMILIAL, 11; Arrhythmogenic right ventricular dysplasia 11 with mild palmoplantar keratoderma and woolly hair. Identifiers: MedGen C1864850, MONDO:0012506, OMIM 610476.
Cardiomyopathy (CMYO). Also called: Cardiomyopathies. Identifiers: Orphanet 167848, MedGen C0878544, MONDO:0004994, HP:0001638. Inheritance: Various modes of inheritance.

Submissions (4):

GeneDx
Classification: Uncertain significance. Last evaluated: 2025-02-28. Review status: criteria provided, single submitter. Criteria: GeneDx Variant Classification Process June 2021. Collection method: clinical testing. Allele origin: germline. Affected: yes.
Comment: Not observed at significant frequency in large population cohorts (gnomAD); Has not been previously published as pathogenic or benign to our knowledge

Color Diagnostics, LLC DBA Color Health
Classification: Uncertain significance for Cardiomyopathy. Last evaluated: 2024-03-06. Review status: criteria provided, single submitter. Criteria: ACMG Guidelines, 2015. Collection method: clinical testing. Allele origin: germline.
Comment: This missense variant replaces glycine with arginine at codon 880 of the DSC2 protein. Computational prediction suggests that this variant may not impact protein structure and function (internally defined REVEL score threshold <= 0.5, PMID: 27666373). To our knowledge, functional studies have not been reported for this variant. This variant has not been reported in individuals affected with cardiovascular disorders in the literature. This variant has not been identified in the general population by the Genome Aggregation Database (gnomAD). The available evidence is insufficient to determine the role of this variant in disease conclusively. Therefore, this variant is classified as a Variant of Uncertain Significance.

Labcorp Genetics (formerly Invitae), Labcorp
Classification: Uncertain significance for Arrhythmogenic right ventricular dysplasia 11. Last evaluated: 2022-08-23. Review status: criteria provided, single submitter. Criteria: Invitae Variant Classification Sherloc (09022015). Collection method: clinical testing. Allele origin: germline.
Comment: ClinVar contains an entry for this variant (Variation ID: 1172326). In summary, the available evidence is currently insufficient to determine the role of this variant in disease. Therefore, it has been classified as a Variant of Uncertain Significance. Algorithms developed to predict the effect of missense changes on protein structure and function output the following: SIFT: "Tolerated"; PolyPhen-2: "Possibly Damaging"; Align-GVGD: "Class C0". The arginine amino acid residue is found in multiple mammalian species, which suggests that this missense change does not adversely affect protein function. This sequence change replaces glycine, which is neutral and non-polar, with arginine, which is basic and polar, at codon 880 of the DSC2 protein (p.Gly880Arg). This variant is not present in population databases (gnomAD no frequency). This variant has not been reported in the literature in individuals affected with DSC2-related conditions.

Ambry Genetics
Classification: Uncertain significance for Cardiovascular phenotype. Last evaluated: 2022-07-10. Review status: criteria provided, single submitter. Criteria: Ambry Variant Classification Scheme 2023. Collection method: clinical testing. Allele origin: germline.
Comment: The p.G880R variant (also known as c.2638G>A), located in coding exon 16 of the DSC2 gene, results from a G to A substitution at nucleotide position 2638. The glycine at codon 880 is replaced by arginine, an amino acid with dissimilar properties. This amino acid position is conserved. In addition, this alteration is predicted to be tolerated by in silico analysis. Since supporting evidence is limited at this time, the clinical significance of this alteration remains unclear.

NM_024422.6(DSC2):c.2638G>A (p.Gly880Arg)

Gene: DSC2 (desmocollin 2; minus strand). Cytogenetic location: 18q12.1.
Variant type: single nucleotide variant.
Coding change: c.2638G>A on transcript NM_024422.6 (MANE Select); coding-DNA position 2638, G replaced by A.
Protein change: p.Gly880Arg; replaces glycine 880 with arginine.
Molecular consequence: missense variant. On other transcripts: 3 prime UTR variant (1).
Genome position (GRCh38, 1-based): chr18:31,068,083, C>T on the plus strand (G>A on the coding strand, the complement: DSC2 is on the minus strand). VCF-style: chr18-31068083-C-T. GRCh37 (hg19) VCF-style: chr18-28648049-C-T.
Other names: c.*140G>A (NM_004949.5); short protein forms G880R.
Identifiers: ClinVar variation 1172326 (VCV001172326.13), dbSNP rs1986686862, ClinGen allele CA402110250.